The following is an entry in ClinVar:

NM_003079.5(SMARCE1):c.1094A>G (p.Glu365Gly)

Gene: SMARCE1 (SWI/SNF related BAF chromatin remodeling complex subunit E1; minus strand). Cytogenetic location: 17q21.2.
Variant type: single nucleotide variant.
Coding change: c.1094A>G on transcript NM_003079.5 (MANE Select); coding-DNA position 1094, A replaced by G.
Protein change: p.Glu365Gly; replaces glutamic acid 365 with glycine.
Molecular consequence: missense variant.
Genome position (GRCh38, 1-based): chr17:40,628,927, T>C on the plus strand (A>G on the coding strand, the complement: SMARCE1 is on the minus strand). VCF-style: chr17-40628927-T-C. GRCh37 (hg19) VCF-style: chr17-38785179-T-C.
Other names: short protein forms E365G.
Identifiers: ClinVar variation 4170337 (VCV004170337.1).

ClinVar aggregate classification (germline): Uncertain significance (1 of 4 stars; one submission).

Conditions:
Hereditary cancer-predisposing syndrome. Also called: Neoplastic Syndromes, Hereditary; Tumor predisposition; Hereditary Cancer Syndrome; Hereditary neoplastic syndrome. Identifiers: Orphanet 140162, MedGen C0027672, MeSH D009386, MONDO:0015356.

Submission:

Ambry Genetics
Classification: Uncertain significance for Hereditary cancer-predisposing syndrome. Last evaluated: 2025-09-07. Review status: criteria provided, single submitter. Criteria: Ambry Variant Classification Scheme 2023. Collection method: clinical testing. Allele origin: germline.
Comment: The p.E365G variant (also known as c.1094A>G), located in coding exon 10 of the SMARCE1 gene, results from an A to G substitution at nucleotide position 1094. The glutamic acid at codon 365 is replaced by glycine, an amino acid with similar properties. This amino acid position is conserved. In addition, this alteration is predicted to be tolerated by in silico analysis. Based on the available evidence, the clinical significance of this variant remains unclear.